The following is an entry in ClinVar:

NM_020989.4(CRYGC):c.365G>A (p.Arg122His)

Genes: CRYGC (crystallin gamma C; minus strand), LOC100507443 (uncharacterized LOC100507443; plus strand). Cytogenetic location: 2q33.3.
Variant type: single nucleotide variant.
Coding change: c.365G>A on transcript NM_020989.4 (MANE Select); coding-DNA position 365, G replaced by A.
Protein change: p.Arg122His; replaces arginine 122 with histidine.
Molecular consequence: missense variant.
Genome position (GRCh38, 1-based): chr2:208,128,363, C>T on the plus strand (G>A on the coding strand, the complement: CRYGC is on the minus strand). VCF-style: chr2-208128363-C-T. GRCh37 (hg19) VCF-style: chr2-208993087-C-T.
Other names: c.365G>A (NM_020989.3); short protein forms R122H.
Identifiers: ClinVar variation 1428139 (VCV001428139.7), dbSNP rs544008612, ClinGen allele CA2077854.

ClinVar aggregate classification (germline): Uncertain significance. Review status: criteria provided, multiple submitters, no conflicts (2 of 4 stars). 2 submissions from 2 submitters: Uncertain significance (2). Last evaluated 2023-02-03.

Conditions:
Nuclear pulverulent cataract (CTRCT2). Identifiers: MedGen C1852438, HP:0010698.
CRYGC-related disorder. Also called: CRYGC-related condition.

Allele frequency attached by ClinVar (database versions not stated): gnomAD 0.00004; gnomAD exomes 0.00005 and 0.00007; 1000 Genomes Project 30x 0.00031; ExAC 0.00007; 1000 Genomes Project 0.00020; TOPMed 0.00006.

Submissions (2):

PreventionGenetics, part of Exact Sciences
Classification: Uncertain significance for CRYGC-related condition. Last evaluated: 2023-02-03. Review status: criteria provided, single submitter. Criteria: ACMG Guidelines, 2015. Collection method: clinical testing. Allele origin: germline.
Comment: The CRYGC c.365G>A variant is predicted to result in the amino acid substitution p.Arg122His. To our knowledge, this variant has not been reported in the literature. This variant is reported in 0.035% of alleles in individuals of Latino descent in gnomAD, which may be too frequent to be an undocumented pathogenic variant. Although we suspect that this variant may be benign, at this time, the clinical significance of this variant is uncertain due to the absence of conclusive functional and genetic evidence.

Labcorp Genetics (formerly Invitae), Labcorp
Classification: Uncertain significance for Nuclear pulverulent cataract. Last evaluated: 2022-09-13. Review status: criteria provided, single submitter. Criteria: Invitae Variant Classification Sherloc (09022015). Collection method: clinical testing. Allele origin: germline.
Comment: This sequence change replaces arginine, which is basic and polar, with histidine, which is basic and polar, at codon 122 of the CRYGC protein (p.Arg122His). This variant is present in population databases (rs544008612, gnomAD 0.03%), and has an allele count higher than expected for a pathogenic variant. This variant has not been reported in the literature in individuals affected with CRYGC-related conditions. ClinVar contains an entry for this variant (Variation ID: 1428139). Algorithms developed to predict the effect of missense changes on protein structure and function output the following: SIFT: "Tolerated"; PolyPhen-2: "Benign"; Align-GVGD: "Class C0". The histidine amino acid residue is found in multiple mammalian species, which suggests that this missense change does not adversely affect protein function. In summary, the available evidence is currently insufficient to determine the role of this variant in disease. Therefore, it has been classified as a Variant of Uncertain Significance.